The following is an entry in ClinVar:

ClinVar aggregate classification (germline): Pathogenic (1 of 4 stars; one submission).

Conditions:
Neurofibromatosis, type 1 (NF1). Also called: Neurofibromatosis, type I; VON RECKLINGHAUSEN DISEASE; NEUROFIBROMATOSIS, TYPE I, SOMATIC; Peripheral type neurofibromatosis. Identifiers: Orphanet 636, MedGen C0027831, MONDO:0018975, OMIM 162200. Disease mechanism: loss of function.

Submission:

Labcorp Genetics (formerly Invitae), Labcorp
Classification: Pathogenic for Neurofibromatosis, type 1. Last evaluated: 2025-11-05. Review status: criteria provided, single submitter. Criteria: Invitae Variant Classification Sherloc (09022015). Collection method: clinical testing. Allele origin: germline.
Comment: This sequence change creates a premature translational stop signal (p.Ile2445Asnfs*17) in the NF1 gene. It is expected to result in an absent or disrupted protein product. Loss-of-function variants in NF1 are known to be pathogenic (PMID: 10712197, 23913538). This variant is not present in population databases (gnomAD no frequency). This premature translational stop signal has been observed in individual(s) with clinical features of neurofibromatosis type 1 (PMID: 18546366). ClinVar contains an entry for this variant (Variation ID: 1459171). For these reasons, this variant has been classified as Pathogenic.

Literature cited by the submitters: PubMed 10712197; PubMed 23913538; PubMed 18546366.

NM_001042492.3(NF1):c.7396dup (p.Ile2466fs)

Gene: NF1 (neurofibromin 1; plus strand). Cytogenetic location: 17q11.2.
Variant type: Duplication.
Coding change: c.7396dup on transcript NM_001042492.3 (MANE Select); coding-DNA position 7396, one base duplicated (A; older notation c.7396dupA).
Protein change: p.Ile2466fs; shifts the reading frame from isoleucine 2466.
Molecular consequence: frameshift variant.
Genome position (GRCh38, 1-based): chr17:31,350,257, A duplicated. VCF-style (leftmost placement, unchanged base first): chr17-31350256-T-TA. GRCh37 (hg19) VCF-style: chr17-29677274-T-TA.
Other names: c.7333dup, p.Ile2445Asnfs (NM_000267.4); short protein forms I2445fs, I2466fs.
Identifiers: ClinVar variation 1459171 (VCV001459171.8), dbSNP rs2151574478, ClinGen allele CA2573153833.